The following is an entry in ClinVar:

ClinVar aggregate classification (germline): Uncertain significance (1 of 4 stars; one submission).

Conditions:
Generalized epilepsy-paroxysmal dyskinesia syndrome (PNKD3). Also called: Paroxysmal nonkinesigenic dyskinesia, 3, with or without generalized epilepsy; Generalized epilepsy and paroxysmal dyskinesia. Identifiers: Orphanet 79137, MedGen C5574945, MONDO:0012276, OMIM 609446.

Submission:

Labcorp Genetics (formerly Invitae), Labcorp
Classification: Uncertain significance for Generalized epilepsy-paroxysmal dyskinesia syndrome. Last evaluated: 2025-05-11. Review status: criteria provided, single submitter. Criteria: Invitae Variant Classification Sherloc (09022015). Collection method: clinical testing. Allele origin: germline.
Comment: This sequence change falls in intron 9 of the KCNMA1 gene. It does not directly change the encoded amino acid sequence of the KCNMA1 protein. It affects a nucleotide within the consensus splice site. This variant is not present in population databases (gnomAD no frequency). This variant has not been reported in the literature in individuals affected with KCNMA1-related conditions. Variants that disrupt the consensus splice site are a relatively common cause of aberrant splicing (PMID: 17576681, 9536098). Algorithms developed to predict the effect of sequence changes on RNA splicing suggest that this variant may disrupt the consensus splice site. In summary, the available evidence is currently insufficient to determine the role of this variant in disease. Therefore, it has been classified as a Variant of Uncertain Significance.

Literature cited by the submitters: PubMed 17576681; PubMed 9536098.

NM_001161352.2(KCNMA1):c.1223+4del

Gene: KCNMA1 (potassium calcium-activated channel subfamily M alpha 1; minus strand). Cytogenetic location: 10q22.3.
Variant type: Deletion.
Coding change: c.1223+4del on transcript NM_001161352.2 (MANE Select); 4 bases into the intron after coding-DNA position 1223, one base deleted (A; older notation c.1223+4delA).
Molecular consequence: intron variant.
Genome position (GRCh38, 1-based): chr10:77,108,477, T deleted on the plus strand (A on the coding strand, the reverse complement: KCNMA1 is on the minus strand); the first of 2 consecutive T bases (chr10:77,108,477-77,108,478); deleting either gives the same sequence. VCF-style (leftmost placement, unchanged base first): chr10-77108476-CT-C. GRCh37 (hg19) VCF-style: chr10-78868234-CT-C.
Other names: c.1061+4del (NM_001271518.2); c.1223+4del (NM_001322832.2, NM_001410940.1, NM_001437423.1 and 9 more transcripts); c.683+4del (NM_001322838.2); c.1355+4del (NM_001437422.1).
Identifiers: ClinVar variation 4719325 (VCV004719325.1).